The following is an entry in ClinVar:

NM_004239.4(TRIP11):c.5056+287_5056+289del

Gene: TRIP11 (thyroid hormone receptor interactor 11; minus strand). Cytogenetic location: 14q32.12.
Variant type: Microsatellite.
Coding change: c.5056+287_5056+289del on transcript NM_004239.4 (MANE Select); bases 287 to 289 of the intron after coding-DNA position 5056, 3 bases deleted (GAG; older notation c.5056+287_5056+289delGAG).
Molecular consequence: intron variant.
Genome position (GRCh38, 1-based): chr14:91,995,063-91,995,065, CTC deleted on the plus strand (GAG on the coding strand, the reverse complement: TRIP11 is on the minus strand); deleting any 3 consecutive bases within chr14:91,995,063-91,995,068 gives the same sequence; the c. name uses the placement nearest the transcript's 3' end. VCF-style (leftmost placement, unchanged base first): chr14-91995062-TCTC-T. GRCh37 (hg19) VCF-style: chr14-92461406-TCTC-T.
Other names: c.5053+287_5053+289del (NM_001321851.1).
Identifiers: ClinVar variation 667791 (VCV000667791.1), dbSNP rs145255981, ClinGen allele CA265600743.
Genomic context (GRCh38, chr14:91,995,062, plus strand): 5'-TGTGCGTATCTCTCTTTCTTTGTATTCTCCTCTTCATTACTTGATCATCTTTCCTTGTAT[TCTC>T]CTCTTTATTACTTGATCATCTTTCCTTGTATTTCCTCAACTCTCATCTCTCACTGGTAAT-3'

ClinVar aggregate classification (germline): Benign (1 of 4 stars; one submission).

Submission:

GeneDx
Classification: Benign. Last evaluated: 2018-06-14. Review status: criteria provided, single submitter. Criteria: GeneDx Variant Classification (06012015). Collection method: clinical testing. Allele origin: germline. Affected: yes.
Comment: This variant is considered likely benign or benign based on one or more of the following criteria: it is a conservative change, it occurs at a poorly conserved position in the protein, it is predicted to be benign by multiple in silico algorithms, and/or has population frequency not consistent with disease.